The following is an entry in ClinVar:

ClinVar aggregate classification (germline): Benign. Review status: criteria provided, multiple submitters, no conflicts (2 of 4 stars). 3 submissions from 3 submitters: Benign (3). Last evaluated 2018-06-23.

Conditions:
Hepatoencephalopathy due to combined oxidative phosphorylation defect type 1. Also called: HEPATOENCEPHALOPATHY, EARLY FATAL PROGRESSIVE. Identifiers: Orphanet 137681, MedGen C1836797, MONDO:0012191, OMIM 609060.

Allele frequency attached by ClinVar (database versions not stated): gnomAD exomes 0.52587; gnomAD 0.57932 and 0.58206; 1000 Genomes Project 0.58327; TOPMed 0.58389; 1000 Genomes Project 30x 0.58526.

Submissions (3):

GeneDx
Classification: Benign. Last evaluated: 2018-06-23. Review status: criteria provided, single submitter. Criteria: GeneDx Variant Classification Process June 2021. Collection method: clinical testing. Allele origin: germline. Affected: yes.

Illumina Laboratory Services, Illumina
Classification: Benign for Hepatoencephalopathy due to combined oxidative phosphorylation defect type 1. Last evaluated: 2018-01-13. Review status: criteria provided, single submitter. Criteria: ICSL Variant Classification Criteria 13 December 2019. Collection method: clinical testing. Allele origin: germline.
Comment: This variant was observed in the ICSL laboratory as part of a predisposition screen in an ostensibly healthy population. It had not been previously curated by ICSL or reported in the Human Gene Mutation Database (HGMD: prior to June 1st, 2018), and was therefore a candidate for classification through an automated scoring system. Utilizing variant allele frequency, disease prevalence and penetrance estimates, and inheritance mode, an automated score was calculated to assess if this variant is too frequent to cause the disease. Based on the score and internal cut-off values, a variant classified as benign is not then subjected to further curation. The score for this variant resulted in a classification of benign for this disease.

Breakthrough Genomics
Classification: Benign. Review status: criteria provided, single submitter. Criteria: ACMG Guidelines, 2015. Collection method: not provided. Allele origin: germline. Inheritance: Autosomal recessive inheritance. Affected: yes.

NM_024996.7(GFM1):c.*226C>T

Gene: GFM1 (G elongation factor mitochondrial 1; plus strand). Cytogenetic location: 3q25.32.
Variant type: single nucleotide variant.
Coding change: c.*226C>T on transcript NM_024996.7 (MANE Select); 226 bases downstream of the stop codon, C replaced by T.
Molecular consequence: 3 prime UTR variant. On other transcripts: non-coding transcript variant (4).
Genome position (GRCh38, 1-based): chr3:158,691,693, C>T. VCF-style: chr3-158691693-C-T. GRCh37 (hg19) VCF-style: chr3-158409482-C-T.
Other names: c.*226C>T (NM_001308164.2, NM_001374355.1, NM_001374356.1 and 5 more transcripts).
Identifiers: ClinVar variation 343940 (VCV000343940.9), dbSNP rs1047366, ClinGen allele CA10617846.